The following is an entry in ClinVar:

ClinVar aggregate classification (germline): Uncertain significance. Review status: criteria provided, multiple submitters, no conflicts (2 of 4 stars). 2 submissions from 2 submitters: Uncertain significance (2). Last evaluated 2025-02-24.

Submissions (2):

Labcorp Genetics (formerly Invitae), Labcorp
Classification: Uncertain significance. Last evaluated: 2025-02-24. Review status: criteria provided, single submitter. Criteria: Invitae Variant Classification Sherloc (09022015). Collection method: clinical testing. Allele origin: germline.
Comment: This sequence change replaces leucine, which is neutral and non-polar, with serine, which is neutral and polar, at codon 671 of the RAI1 protein (p.Leu671Ser). This variant is not present in population databases (gnomAD no frequency). This variant has not been reported in the literature in individuals affected with RAI1-related conditions. ClinVar contains an entry for this variant (Variation ID: 1389800). Invitae Evidence Modeling of protein sequence and biophysical properties (such as structural, functional, and spatial information, amino acid conservation, physicochemical variation, residue mobility, and thermodynamic stability) indicates that this missense variant is not expected to disrupt RAI1 protein function with a negative predictive value of 80%. In summary, the available evidence is currently insufficient to determine the role of this variant in disease. Therefore, it has been classified as a Variant of Uncertain Significance.

GeneDx
Classification: Uncertain significance. Last evaluated: 2024-05-10. Review status: criteria provided, single submitter. Criteria: GeneDx Variant Classification Process June 2021. Collection method: clinical testing. Allele origin: germline. Affected: yes.
Comment: Not observed at significant frequency in large population cohorts (gnomAD); In silico analysis supports that this missense variant has a deleterious effect on protein structure/function; Has not been previously published as pathogenic or benign to our knowledge

NM_030665.4(RAI1):c.2012T>C (p.Leu671Ser)

Gene: RAI1 (retinoic acid induced 1; plus strand). Cytogenetic location: 17p11.2.
Variant type: single nucleotide variant.
Coding change: c.2012T>C on transcript NM_030665.4 (MANE Select); coding-DNA position 2012, T replaced by C.
Protein change: p.Leu671Ser; replaces leucine 671 with serine.
Molecular consequence: missense variant.
Genome position (GRCh38, 1-based): chr17:17,794,960, T>C. VCF-style: chr17-17794960-T-C. GRCh37 (hg19) VCF-style: chr17-17698274-T-C.
Other names: c.2012T>C (NM_030665.3); short protein forms L671S.
Identifiers: ClinVar variation 1389800 (VCV001389800.7), dbSNP rs2143002112, ClinGen allele CA398549788.
Genomic context (GRCh38, chr17:17,794,960, plus strand): 5'-ACTCTGTGGCCAAGAGTGCGTGGCCCCGGCCTGGGGAGCCGGAGGCCCTGCCCGACTCCT[T>C]GCAGCTGGACAAGGGCGGCAATGCCAAGGACTTCAGCCCAGGGCTGTTTGAAGACCCTTC-3'
Protein context (NP_109590.3, residues 661-681): PGEPEALPDS[Leu671Ser]QLDKGGNAKD